The following is an entry in ClinVar:

ClinVar aggregate classification (germline): Pathogenic. Review status: reviewed by expert panel (3 of 4 stars). 6 submissions from 6 submitters: Pathogenic (1). 5 of the submissions do not count toward it. Last evaluated 2016-09-08.

Conditions:
Hereditary cancer-predisposing syndrome. Also called: Tumor predisposition; Neoplastic Syndromes, Hereditary; Hereditary Cancer Syndrome; Hereditary neoplastic syndrome. Identifiers: Orphanet 140162, MedGen C0027672, MeSH D009386, MONDO:0015356.
Hereditary breast ovarian cancer syndrome. Also called: Hereditary breast and ovarian cancer syndrome (HBOC); Hereditary breast and ovarian cancer syndrome; Hereditary breast and ovarian cancer; Hereditary breast and/or ovarian cancer syndrome; Breast and ovarian cancer; BRCA1- and BRCA2-Associated Hereditary Breast and Ovarian Cancer. Identifiers: Orphanet 145, MedGen C0677776, MeSH D061325, MONDO:0003582. Disease mechanism: loss of function.
Breast-ovarian cancer, familial, susceptibility to, 1 (BROVCA1). Also called: OVARIAN CANCER, SUSCEPTIBILITY TO; BRCA1 Hereditary Breast and Ovarian Cancer. Identifiers: Orphanet 145, MedGen C2676676, MONDO:0011450, OMIM 604370. Disease mechanism: loss of function.

Submissions (6):

Evidence-based Network for the Interpretation of Germline Mutant Alleles (ENIGMA)
Classification: Pathogenic for Breast-ovarian cancer, familial, susceptibility to, 1. Last evaluated: 2016-09-08. Review status: reviewed by expert panel. Criteria: ENIGMA BRCA1/2 Classification Criteria (2015). Collection method: curation. Allele origin: germline.
Comment: Variant allele predicted to encode a truncated non-functional protein.

Labcorp Genetics (formerly Invitae), Labcorp
Classification: Pathogenic for Hereditary breast ovarian cancer syndrome. Last evaluated: 2025-03-28. Review status: criteria provided, single submitter. Criteria: Invitae Variant Classification Sherloc (09022015). Collection method: clinical testing. Allele origin: germline. Not counted in ClinVar's aggregate classification.
Comment: This sequence change creates a premature translational stop signal (p.Ile1061*) in the BRCA1 gene. It is expected to result in an absent or disrupted protein product. Loss-of-function variants in BRCA1 are known to be pathogenic (PMID: 20104584). This variant is not present in population databases (gnomAD no frequency). This variant has not been reported in the literature in individuals affected with BRCA1-related conditions. This variant is also known as c.3300delA. ClinVar contains an entry for this variant (Variation ID: 54792). For these reasons, this variant has been classified as Pathogenic.

Ambry Genetics
Classification: Pathogenic for Hereditary cancer-predisposing syndrome. Last evaluated: 2023-06-29. Review status: criteria provided, single submitter. Criteria: Ambry Variant Classification Scheme 2023. Collection method: clinical testing. Allele origin: germline. Not counted in ClinVar's aggregate classification.
Comment: The c.3181delA pathogenic mutation, located in coding exon 9 of the BRCA1 gene, results from a deletion of one nucleotide at nucleotide position 3181, causing a translational frameshift with a predicted alternate stop codon (p.I1061*). This alteration has been identified in Chinese and Thai patients with breast and/or ovarian cancer (Patmasiriwat P et al. Hum. Mutat., 2002 Sep;20:230; Shi T et al. Int. J. Cancer, 2017 05;140:2051-2059; Bhaskaran SP et al. Int. J. Cancer, 2019 08;145:962-973; Manchana T et al. Gynecol Oncol Rep, 2019 Aug;29:102-105). This alteration is also described in the literature as 3300delA. In addition to the clinical data presented in the literature, this alteration is expected to result in loss of function by premature protein truncation or nonsense-mediated mRNA decay. As such, this alteration is interpreted as a disease-causing mutation.

Color Diagnostics, LLC DBA Color Health
Classification: Pathogenic for Hereditary cancer-predisposing syndrome. Last evaluated: 2022-10-17. Review status: criteria provided, single submitter. Criteria: ACMG Guidelines, 2015. Collection method: clinical testing. Allele origin: germline. Not counted in ClinVar's aggregate classification.
Comment: This variant deletes 1 nucleotide in exon 10 of the BRCA1 gene, creating a frameshift and premature translation stop signal. This variant is expected to result in an absent or non-functional protein product. This variant has been identified in Chinese and Thai individuals with breast and/or ovarian cancer (PMID: 12203997, 26187060, 30702160, 31467961). This variant has not been identified in the general population by the Genome Aggregation Database (gnomAD). Loss of BRCA1 function is a known mechanism of disease. Based on the available evidence, this variant is classified as Pathogenic.

Quest Diagnostics Nichols Institute San Juan Capistrano
Classification: Pathogenic. Last evaluated: 2022-10-11. Review status: criteria provided, single submitter. Criteria: Quest Diagnostics criteria. Collection method: clinical testing. Allele origin: unknown. Not counted in ClinVar's aggregate classification.
Comment: This nonsense variant causes the premature termination of BRCA1 protein synthesis. In the published literature, the variant has been reported in individuals with breast (PMIDs: 30702160 (2019) and 33471991 (2021)) and/or ovarian cancer (PMIDs: 12203997 (2002), 28176296 (2017), 30702160 (2019), and 31815095 (2019)). It has not been reported in large, multi-ethnic general populations. Based on the available information, this variant is classified as pathogenic.

Breast Cancer Information Core (BIC) (BRCA1)
Classification: Pathogenic for Breast-ovarian cancer, familial 1. Last evaluated: 2002-06-27. Review status: no assertion criteria provided. Collection method: clinical testing. Allele origin: germline. Affected: yes. Observed: 2 variant alleles. Not counted in ClinVar's aggregate classification.

Literature cited by the submitters: PubMed 20104584 (cited by Labcorp Genetics (formerly Invitae), Labcorp); PubMed 12203997 (cited by 3 submitters); PubMed 26187060 (cited by 3 submitters); PubMed 28176296 (cited by Ambry Genetics and Quest Diagnostics Nichols Institute San Juan Capistrano); PubMed 30702160 (cited by 3 submitters); PubMed 31467961 (cited by Ambry Genetics and Color Diagnostics, LLC DBA Color Health); PubMed 33471991 (cited by Quest Diagnostics Nichols Institute San Juan Capistrano); PubMed 31825140 (cited by Quest Diagnostics Nichols Institute San Juan Capistrano); PubMed 31815095 (cited by Quest Diagnostics Nichols Institute San Juan Capistrano).

NM_007294.4(BRCA1):c.3181del (p.Glu1060_Ile1061insTer)

Gene: BRCA1 (BRCA1 DNA repair associated; minus strand). Cytogenetic location: 17q21.31.
Variant type: Deletion.
Coding change: c.3181del on transcript NM_007294.4 (MANE Select); coding-DNA position 3181, one base deleted (A; older notation c.3181delA).
Protein change: p.Glu1060_Ile1061insTer.
Molecular consequence: nonsense. On other transcripts: frameshift variant (2), intron variant (137).
Genome position (GRCh38, 1-based): chr17:43,092,350, T deleted on the plus strand (A on the coding strand, the reverse complement: BRCA1 is on the minus strand); the first of 3 consecutive T bases (chr17:43,092,350-43,092,352); deleting any one gives the same sequence. VCF-style (leftmost placement, unchanged base first): chr17-43092349-AT-A. GRCh37 (hg19) VCF-style: chr17-41244366-AT-A.
Other names: 3300delA; c.3181delA (NM_007294.3); c.2968del, p.Glu989_Ile990insTer (NM_001407896.1, NM_001407897.1, NM_001407898.1 and 9 more transcripts); c.2971del, p.Glu990_Ile991insTer (NM_001407900.1, NM_001407902.1, NM_001407904.1 and 13 more transcripts); c.3058del, p.Glu1019_Ile1020insTer (NM_001407919.1, NM_001407937.1, NM_001407938.1 and 19 more transcripts); c.2917del, p.Glu972_Ile973insTer (NM_001407920.1, NM_001407921.1, NM_001407922.1 and 9 more transcripts); c.2914del, p.Glu971_Ile972insTer (NM_001407930.1, NM_001407931.1, NM_001407932.1 and 2 more transcripts); c.3055del, p.Glu1018_Ile1019insTer (NM_001407940.1, NM_001407941.1, NM_001407649.1 and 11 more transcripts); and 44 more.
Identifiers: ClinVar variation 54792 (VCV000054792.21), dbSNP rs80357702, ClinGen allele CA002073.